The following is an entry in ClinVar:

ClinVar aggregate classification (germline): Uncertain significance (1 of 4 stars; one submission).

Allele frequency attached by ClinVar (database versions not stated): ExAC 0.00001; gnomAD exomes 0.00001.
gnomAD v4.1: 8 of 1,613,908 alleles (0.0005%); highest among the groups gnomAD compares: South Asian, 0.0088%; no homozygotes.

Submission:

Labcorp Genetics (formerly Invitae), Labcorp
Classification: Uncertain significance. Last evaluated: 2023-08-30. Review status: criteria provided, single submitter. Criteria: Invitae Variant Classification Sherloc (09022015). Collection method: clinical testing. Allele origin: germline.
Comment: In summary, the available evidence is currently insufficient to determine the role of this variant in disease. Therefore, it has been classified as a Variant of Uncertain Significance. Advanced modeling of protein sequence and biophysical properties (such as structural, functional, and spatial information, amino acid conservation, physicochemical variation, residue mobility, and thermodynamic stability) performed at Invitae indicates that this missense variant is expected to disrupt ALPL protein function. ClinVar contains an entry for this variant (Variation ID: 1447510). This variant has not been reported in the literature in individuals affected with ALPL-related conditions. This variant is present in population databases (rs779322468, gnomAD 0.01%). This sequence change replaces valine, which is neutral and non-polar, with alanine, which is neutral and non-polar, at codon 234 of the ALPL protein (p.Val234Ala).

NM_000478.6(ALPL):c.701T>C (p.Val234Ala)

Gene: ALPL (alkaline phosphatase, biomineralization associated; plus strand). Cytogenetic location: 1p36.12.
Variant type: single nucleotide variant.
Coding change: c.701T>C on transcript NM_000478.6 (MANE Select); coding-DNA position 701, T replaced by C.
Protein change: p.Val234Ala; replaces valine 234 with alanine.
Molecular consequence: missense variant.
Genome position (GRCh38, 1-based): chr1:21,568,156, T>C. VCF-style: chr1-21568156-T-C. GRCh37 (hg19) VCF-style: chr1-21894649-T-C.
Other names: c.536T>C, p.Val179Ala (NM_001127501.4); c.470T>C, p.Val157Ala (NM_001177520.3); c.701T>C, p.Val234Ala (NM_001369803.2, NM_001369804.2, NM_001369805.2); short protein forms V234A, V157A, V179A.
Identifiers: ClinVar variation 1447510 (VCV001447510.4), dbSNP rs779322468, ClinGen allele CA666585.